The following is an entry in ClinVar:

NM_001378030.1(CCDC78):c.287G>A (p.Arg96Gln)

Gene: CCDC78 (coiled-coil domain containing 78; minus strand). Cytogenetic location: 16p13.3.
Variant type: single nucleotide variant.
Coding change: c.287G>A on transcript NM_001378030.1 (MANE Select); coding-DNA position 287, G replaced by A.
Protein change: p.Arg96Gln; replaces arginine 96 with glutamine.
Molecular consequence: missense variant. On other transcripts: non-coding transcript variant (5), intron variant (1).
Genome position (GRCh38, 1-based): chr16:725,561, C>T on the plus strand (G>A on the coding strand, the complement: CCDC78 is on the minus strand). VCF-style: chr16-725561-C-T. GRCh37 (hg19) VCF-style: chr16-775561-C-T.
Other names: c.287G>A, p.Arg96Gln (NM_001031737.3, NM_001378031.1); c.-19+233G>A (NM_001378033.1); short protein forms R96Q.
Identifiers: ClinVar variation 2017337 (VCV002017337.5), dbSNP rs761306741, ClinGen allele CA7789657.

ClinVar aggregate classification (germline): Uncertain significance. Review status: criteria provided, multiple submitters, no conflicts (2 of 4 stars). 2 submissions from 2 submitters: Uncertain significance (2). Last evaluated 2024-09-09.

Conditions:
Inborn genetic diseases. Identifiers: MedGen C0950123, MeSH D030342.
Congenital myopathy with internal nuclei and atypical cores. Also called: Myopathy, centronuclear, 4. Identifiers: Orphanet 319160, MedGen C4707232, MONDO:0013890, OMIM 614807.

Allele frequency attached by ClinVar (database versions not stated): TOPMed 0.00001; ExAC 0.00002; gnomAD 0.00003.
gnomAD v4.1: 51 of 1,609,598 alleles (0.0032%); highest among the groups gnomAD compares: East Asian, 0.0045%; no homozygotes.

Submissions (2):

Labcorp Genetics (formerly Invitae), Labcorp
Classification: Uncertain significance for Congenital myopathy with internal nuclei and atypical cores. Last evaluated: 2024-09-09. Review status: criteria provided, single submitter. Criteria: Invitae Variant Classification Sherloc (09022015). Collection method: clinical testing. Allele origin: germline.
Comment: This sequence change replaces arginine, which is basic and polar, with glutamine, which is neutral and polar, at codon 96 of the CCDC78 protein (p.Arg96Gln). This variant is present in population databases (rs761306741, gnomAD 0.006%). This variant has not been reported in the literature in individuals affected with CCDC78-related conditions. ClinVar contains an entry for this variant (Variation ID: 2017337). Invitae Evidence Modeling of protein sequence and biophysical properties (such as structural, functional, and spatial information, amino acid conservation, physicochemical variation, residue mobility, and thermodynamic stability) indicates that this missense variant is not expected to disrupt CCDC78 protein function with a negative predictive value of 80%. Algorithms developed to predict the effect of sequence changes on RNA splicing suggest that this variant may disrupt the consensus splice site. In summary, the available evidence is currently insufficient to determine the role of this variant in disease. Therefore, it has been classified as a Variant of Uncertain Significance.

Ambry Genetics
Classification: Uncertain significance for Inborn genetic diseases. Last evaluated: 2022-11-22. Review status: criteria provided, single submitter. Criteria: Ambry Variant Classification Scheme 2023. Collection method: clinical testing. Allele origin: germline.